The following is an entry in ClinVar:

ClinVar aggregate classification (germline): Pathogenic (1 of 4 stars; one submission).

Conditions:
3-methylcrotonyl-CoA carboxylase 2 deficiency. Also called: METHYLCROTONYLGLYCINURIA, TYPE II; 3 alpha methylcrotonyl-CoA carboxylase 2 deficiency; 3 alpha methylcrotonylglycinuria 2; MCC 2 deficiency; Methylcrotonylglycinuria type 2. Identifiers: Orphanet 6, MedGen C1859499, MONDO:0008862, OMIM 210210.

Submission:

Labcorp Genetics (formerly Invitae), Labcorp
Classification: Pathogenic for 3-methylcrotonyl-CoA carboxylase 2 deficiency. Last evaluated: 2017-07-31. Review status: criteria provided, single submitter. Criteria: Invitae Variant Classification Sherloc (09022015). Collection method: clinical testing. Allele origin: germline.
Comment: This sequence change creates a premature translational stop signal (p.Asp330*) in the MCCC2 gene. It is expected to result in an absent or disrupted protein product. This variant is not present in population databases (ExAC no frequency). This variant has not been reported in the literature in individuals with MCCC2-related disease. Loss-of-function variants in MCCC2 are known to be pathogenic (PMID: 11181649, 22642865). For these reasons, this variant has been classified as Pathogenic.

NM_022132.5(MCCC2):c.987dup (p.Asp330Ter)

Gene: MCCC2 (methylcrotonyl-CoA carboxylase subunit 2; plus strand). Cytogenetic location: 5q13.2.
Variant type: Duplication.
Coding change: c.987dup on transcript NM_022132.5 (MANE Select); coding-DNA position 987, one base duplicated (T; older notation c.987dupT).
Protein change: p.Asp330Ter; replaces aspartic acid 330 with a stop codon.
Molecular consequence: nonsense.
Genome position (GRCh38, 1-based): chr5:71,635,234, T duplicated; the last of 3 consecutive T bases (chr5:71,635,232-71,635,234); duplicating any one gives the same sequence. VCF-style (leftmost placement, unchanged base first): chr5-71635231-C-CT. GRCh37 (hg19) VCF-style: chr5-70931058-C-CT.
Other names: c.873dup, p.Asp292Ter (NM_001363147.1); c.987dupT (NM_022132.4); short protein forms D292*, D330*.
Identifiers: ClinVar variation 467810 (VCV000467810.1), dbSNP rs1554137532, ClinGen allele CA658657453.
Genomic context (GRCh38, chr5:71,635,231, plus strand): 5'-AGAGCCTTTATTTCCTGCTGATGAATTGTATGGAATAGTTGGTGCTAACCTTAAGAGGAG[C>CT]TTTGATGTCCGAGAGGTATGTGAAAGTGGAACTGTGAGCTTTATGACCAGCTGTGAGTCT-3'